The following is an entry in ClinVar:

ClinVar aggregate classification (germline): Pathogenic. Review status: criteria provided, multiple submitters, no conflicts (2 of 4 stars). 3 submissions from 3 submitters: Pathogenic (3). Last evaluated 2022-11-15.

Conditions:
PURA-related severe neonatal hypotonia-seizures-encephalopathy syndrome (NEDRIHF). Also called: NEURODEVELOPMENTAL DISORDER WITH NEONATAL RESPIRATORY INSUFFICIENCY, HYPOTONIA, AND FEEDING DIFFICULTIES; PURA-Related Neurodevelopmental Disorders. Identifiers: Orphanet 438213, Orphanet 438216, MedGen C4015357, MONDO:1060108, OMIM 616158, MONDO:0018580.

Submissions (3):

Labcorp Genetics (formerly Invitae), Labcorp
Classification: Pathogenic for PURA-related severe neonatal hypotonia-seizures-encephalopathy syndrome. Last evaluated: 2022-11-15. Review status: criteria provided, single submitter. Criteria: Invitae Variant Classification Sherloc (09022015). Collection method: clinical testing. Allele origin: germline.
Comment: For these reasons, this variant has been classified as Pathogenic. This variant disrupts a region of the PURA protein in which other variant(s) (p.Tyr261*, p.Gln186*) have been determined to be pathogenic (PMID: 25439098). This suggests that this is a clinically significant region of the protein, and that variants that disrupt it are likely to be disease-causing. ClinVar contains an entry for this variant (Variation ID: 451895). This variant has not been reported in the literature in individuals affected with PURA-related conditions. This variant is not present in population databases (gnomAD no frequency). This sequence change creates a premature translational stop signal (p.Gln163*) in the PURA gene. While this is not anticipated to result in nonsense mediated decay, it is expected to disrupt the last 160 amino acid(s) of the PURA protein.

GeneDx
Classification: Pathogenic. Last evaluated: 2017-09-15. Review status: criteria provided, single submitter. Criteria: GeneDx Variant Classification (06012015). Collection method: clinical testing. Allele origin: germline. Affected: yes.
Comment: The Q163X variant in the PURA gene has not been reported previously as a pathogenic variant nor as a benign variant, to our knowledge. This variant is predicted to cause a premature stop codon, resulting in protein truncation of the last 160 amnio acids. The Q163X variant is not observed in large population cohorts (Lek et al., 2016; 1000 Genomes Consortium et al., 2015; Exome Variant Server). We interpret Q163X as a pathogenic variant

3billion
Classification: Pathogenic for PURA-related severe neonatal hypotonia-seizures-encephalopathy syndrome. Review status: criteria provided, single submitter. Criteria: ACMG Guidelines, 2015. Collection method: clinical testing. Allele origin: unknown. Affected: yes. Observed: 1 heterozygote.
Comment: The variant is not observed in the gnomAD v2.1.1 dataset. The variant is predicted to result in a loss or disruption of normal protein function through protein truncation. Multiple pathogenic variants are reported in the predicted truncated region. The variant has been previously reported as de novo in a similarly affected individual (PMID: 35118825). The variant has been reported at least twice as pathogenic without evidence for the classification (ClinVar ID: VCV000451895 / PMID: 33726816). Therefore, this variant is classified as Pathogenic according to the recommendation of ACMG/AMP guideline.

Literature cited by the submitters: PubMed 25439098 (cited by Labcorp Genetics (formerly Invitae), Labcorp); PubMed 33726816 (cited by 3billion); PubMed 35118825 (cited by 3billion).

NM_005859.5(PURA):c.487C>T (p.Gln163Ter)

Gene: PURA (purine rich element binding protein A; plus strand). Cytogenetic location: 5q31.3.
Variant type: single nucleotide variant.
Coding change: c.487C>T on transcript NM_005859.5 (MANE Select); coding-DNA position 487, C replaced by T.
Protein change: p.Gln163Ter; replaces glutamine 163 with a stop codon.
Molecular consequence: nonsense.
Genome position (GRCh38, 1-based): chr5:140,114,668, C>T. VCF-style: chr5-140114668-C-T. GRCh37 (hg19) VCF-style: chr5-139494253-C-T.
Other names: short protein forms Q163*.
Identifiers: ClinVar variation 451895 (VCV000451895.10), dbSNP rs1554129091, ClinGen allele CA361490883.